The following is an entry in ClinVar:

ClinVar aggregate classification (germline): Likely benign (1 of 4 stars; one submission).

gnomAD v4.1: 1 of 1,614,074 alleles (0.000062%); highest among the groups gnomAD compares: Non-Finnish European, 0.000085%; no homozygotes.

Submission:

CeGaT Center for Human Genetics Tuebingen
Classification: Likely benign. Last evaluated: 2026-04-01. Review status: criteria provided, single submitter. Criteria: CeGaT Center For Human Genetics Tuebingen Variant Classification Criteria Version 2. Collection method: clinical testing. Allele origin: germline. Affected: yes. Observed: 1 variant allele.
Comment: ASH1L: BP4, BP7

NM_018489.3(ASH1L):c.150C>G (p.Arg50=)

Gene: ASH1L (ASH1 like histone lysine methyltransferase; minus strand). Cytogenetic location: 1q22.
Variant type: single nucleotide variant.
Coding change: c.150C>G on transcript NM_018489.3 (MANE Select); coding-DNA position 150, C replaced by G.
Protein change: p.Arg50=; no amino-acid change (arginine 50 retained).
Molecular consequence: synonymous variant.
Genome position (GRCh38, 1-based): chr1:155,521,370, G>C on the plus strand (C>G on the coding strand, the complement: ASH1L is on the minus strand). VCF-style: chr1-155521370-G-C. GRCh37 (hg19) VCF-style: chr1-155491161-G-C.
Other names: c.150C>G, p.Arg50= (NM_001366177.2).
Identifiers: ClinVar variation 4874651 (VCV004874651.2).